The following is an entry in ClinVar:

NM_000321.3(RB1):c.56A>G (p.Glu19Gly)

Gene: RB1 (RB transcriptional corepressor 1; plus strand). Cytogenetic location: 13q14.2.
Variant type: single nucleotide variant.
Coding change: c.56A>G on transcript NM_000321.3 (MANE Select); coding-DNA position 56, A replaced by G.
Protein change: p.Glu19Gly; replaces glutamic acid 19 with glycine.
Molecular consequence: missense variant.
Genome position (GRCh38, 1-based): chr13:48,303,968, A>G. VCF-style: chr13-48303968-A-G. GRCh37 (hg19) VCF-style: chr13-48878104-A-G.
Other names: c.56A>G, p.Glu19Gly (NM_001407165.1, NM_001407166.1, NM_001407167.1); short protein forms E19G.
Identifiers: ClinVar variation 3430935 (VCV003430935.1).

ClinVar aggregate classification (germline): Uncertain significance (1 of 4 stars; one submission).

Conditions:
Hereditary cancer-predisposing syndrome. Also called: Neoplastic Syndromes, Hereditary; Tumor predisposition; Hereditary Cancer Syndrome; Hereditary neoplastic syndrome. Identifiers: Orphanet 140162, MedGen C0027672, MeSH D009386, MONDO:0015356.

Submission:

Ambry Genetics
Classification: Uncertain significance for Hereditary cancer-predisposing syndrome. Last evaluated: 2024-11-27. Review status: criteria provided, single submitter. Criteria: Ambry Variant Classification Scheme 2023. Collection method: clinical testing. Allele origin: germline.
Comment: The p.E19G variant (also known as c.56A>G), located in coding exon 1 of the RB1 gene, results from an A to G substitution at nucleotide position 56. The glutamic acid at codon 19 is replaced by glycine, an amino acid with similar properties. This amino acid position is well conserved in available vertebrate species. In addition, the in silico prediction for this alteration is inconclusive. Based on the available evidence, the clinical significance of this variant remains unclear.